The following is an entry in ClinVar:

ClinVar aggregate classification (germline): Uncertain significance. Review status: criteria provided, multiple submitters, no conflicts (2 of 4 stars). 2 submissions from 2 submitters: Uncertain significance (2). Last evaluated 2026-06-02.

Conditions:
Retinitis pigmentosa 71 (RP71). Identifiers: Orphanet 791, MedGen C4225342, MONDO:0014618, OMIM 616394.
Short-rib thoracic dysplasia 10 with or without polydactyly (SRTD10). Identifiers: Orphanet 474, MedGen C3810175, MONDO:0014284, OMIM 615630.
IFT172-related disorder. Also called: IFT172-related condition; IFT172-related disorders.

Allele frequency attached by ClinVar (database versions not stated): gnomAD exomes below 0.00001; TOPMed below 0.00001; gnomAD 0.00001; ExAC 0.00002; ESP Exome Variant Server 0.00008.
gnomAD v4.1: 5 of 1,614,014 alleles (0.00031%); highest among the groups gnomAD compares: Middle Eastern, 0.017%; no homozygotes.

Submissions (2):

PreventionGenetics, part of Exact Sciences
Classification: Uncertain significance for IFT172-related condition. Last evaluated: 2026-06-02. Review status: criteria provided, single submitter. Criteria: ACMG Guidelines, 2015. Collection method: clinical testing. Allele origin: germline.
Comment: The IFT172 c.739G>C variant is predicted to result in the amino acid substitution p.Val247Leu. To our knowledge, this variant has not been reported in the literature. This variant is reported in 0.00088% of alleles in individuals of European (Non-Finnish) descent in gnomAD. At this time, the clinical significance of this variant is uncertain due to the absence of conclusive functional and genetic evidence.

Labcorp Genetics (formerly Invitae), Labcorp
Classification: Uncertain significance for Retinitis pigmentosa 71; Short-rib thoracic dysplasia 10 with or without polydactyly. Last evaluated: 2021-12-21. Review status: criteria provided, single submitter. Criteria: Invitae Variant Classification Sherloc (09022015). Collection method: clinical testing. Allele origin: germline.
Comment: In summary, the available evidence is currently insufficient to determine the role of this variant in disease. Therefore, it has been classified as a Variant of Uncertain Significance. Algorithms developed to predict the effect of missense changes on protein structure and function are either unavailable or do not agree on the potential impact of this missense change (SIFT: "Deleterious"; PolyPhen-2: "Benign"; Align-GVGD: "Class C0"). This variant has not been reported in the literature in individuals affected with IFT172-related conditions. This variant is present in population databases (rs144379702, gnomAD 0.002%). This sequence change replaces valine, which is neutral and non-polar, with leucine, which is neutral and non-polar, at codon 247 of the IFT172 protein (p.Val247Leu).

NM_015662.3(IFT172):c.739G>C (p.Val247Leu)

Gene: IFT172 (intraflagellar transport 172; minus strand). Cytogenetic location: 2p23.3.
Variant type: single nucleotide variant.
Coding change: c.739G>C on transcript NM_015662.3 (MANE Select); coding-DNA position 739, G replaced by C.
Protein change: p.Val247Leu; replaces valine 247 with leucine.
Molecular consequence: missense variant.
Genome position (GRCh38, 1-based): chr2:27,481,092, C>G on the plus strand (G>C on the coding strand, the complement: IFT172 is on the minus strand). VCF-style: chr2-27481092-C-G. GRCh37 (hg19) VCF-style: chr2-27703959-C-G.
Other names: c.739G>C (NM_015662.2); short protein forms V247L.
Identifiers: ClinVar variation 1516519 (VCV001516519.5), dbSNP rs144379702, ClinGen allele CA1580886.
Genomic context (GRCh38, chr2:27,481,092, plus strand): 5'-GAAAGGGGACTTACCTGTCATAACTTCCTAGCACAACAGACTGGCCCCCAGGACTTGATA[C>G]AGCTGTGGTGAACTCCCGCTCCTGAGGGTCACGGCTATAATCAAAAGTTTGTAGCATGTG-3'
Protein context (NP_056477.1, residues 237-257): DPQEREFTTA[Val247Leu]SSPGGQSVVL